The following is an entry in ClinVar:

NM_006949.4(STXBP2):c.665G>C (p.Gly222Ala)

Gene: STXBP2 (syntaxin binding protein 2; plus strand). Cytogenetic location: 19p13.2.
Variant type: single nucleotide variant.
Coding change: c.665G>C on transcript NM_006949.4 (MANE Select); coding-DNA position 665, G replaced by C.
Protein change: p.Gly222Ala; replaces glycine 222 with alanine.
Molecular consequence: missense variant. On other transcripts: non-coding transcript variant (1).
Genome position (GRCh38, 1-based): chr19:7,642,204, G>C. VCF-style: chr19-7642204-G-C. GRCh37 (hg19) VCF-style: chr19-7707090-G-C.
Other names: p.Gly222Ala; c.656G>C, p.Gly219Ala (NM_001127396.3); c.698G>C, p.Gly233Ala (NM_001272034.2); c.569G>C, p.Gly190Ala (NM_001414484.1); short protein forms G222A, G219A, G190A, G233A.
Identifiers: ClinVar variation 4542298 (VCV004542298.2).

ClinVar aggregate classification (germline): Uncertain significance (1 of 4 stars; one submission).

Submission:

Mayo Clinic Laboratories, Mayo Clinic
Classification: Uncertain significance. Last evaluated: 2025-11-16. Review status: criteria provided, single submitter. Criteria: ACMG Guidelines, 2015. Collection method: clinical testing. Allele origin: germline. Observed: 1 variant allele.
Comment: PM2_supporting